The following is an entry in ClinVar:

ClinVar aggregate classification (germline): Uncertain significance (1 of 4 stars; one submission).

Conditions:
Lissencephaly type 3. Identifiers: Orphanet 102011, MedGen C1969029, MONDO:0015148.

Submission:

Broad Center for Mendelian Genomics, Broad Institute of MIT and Harvard
Classification: Uncertain significance for Lissencephaly type 3. Last evaluated: 2024-03-12. Review status: criteria provided, single submitter. Criteria: ACMG Guidelines, 2015. Collection method: curation. Allele origin: germline. Inheritance: Autosomal dominant inheritance.
Comment: Trio genome analysis showed this variant to be de novo. The p.Ser379Asn variant in TUBA1A has not been previously reported in the literature in individuals with Lissencephaly. This variant is absent from large population studies. The number of missense variants reported in TUBA1A in the general population is lower than expected, suggesting there is little benign variation in this gene and slightly increasing the possibility that a missense variant in this gene may not be tolerated. Computational prediction tools and conservation analyses suggest that this variant may impact the protein, though this information is not predictive enough to determine pathogenicity. In summary, while there is some suspicion for a pathogenic role, the clinical significance of this variant is uncertain. ACMG/AMP Criteria applied: PP2, PP3, PM2_supporting, PS2_supporting (Richards 2015).

Literature cited by the submitters: PubMed 39033378.

NM_006009.4(TUBA1A):c.1136G>A (p.Ser379Asn)

Gene: TUBA1A (tubulin alpha 1a; minus strand). Cytogenetic location: 12q13.12.
Variant type: single nucleotide variant.
Coding change: c.1136G>A on transcript NM_006009.4 (MANE Select); coding-DNA position 1136, G replaced by A.
Protein change: p.Ser379Asn; replaces serine 379 with asparagine.
Molecular consequence: missense variant.
Genome position (GRCh38, 1-based): chr12:49,185,230, C>T on the plus strand (G>A on the coding strand, the complement: TUBA1A is on the minus strand). VCF-style: chr12-49185230-C-T. GRCh37 (hg19) VCF-style: chr12-49579013-C-T.
Other names: NM_001270400.2:c.1031G>A; c.1136G>A, p.Ser379Asn (NM_001270399.2); c.1031G>A, p.Ser344Asn (NM_001270400.2); short protein forms S344N, S379N.
Identifiers: ClinVar variation 3061839 (VCV003061839.1), dbSNP rs2498859353, ClinGen allele CA384635527.